The following is an entry in ClinVar:

NM_001039958.2(MESP2):c.180_193dup (p.Glu65fs)

Gene: MESP2 (mesoderm posterior bHLH transcription factor 2; plus strand). Cytogenetic location: 15q26.1.
Variant type: Duplication.
Coding change: c.180_193dup on transcript NM_001039958.2 (MANE Select); coding-DNA positions 180 to 193, 14 bases duplicated (CTCCCGAGCCGCAG).
Protein change: p.Glu65fs; shifts the reading frame from glutamic acid 65.
Molecular consequence: frameshift variant.
Genome position (GRCh38, 1-based): chr15:89,776,537-89,776,550, CTCCCGAGCCGCAG duplicated; duplicating any 14 consecutive bases within chr15:89,776,533-89,776,550 gives the same sequence; the c. name uses the placement nearest the transcript's 3' end. VCF-style (leftmost placement, unchanged base first): chr15-89776532-T-TGCAGCTCCCGAGCC. GRCh37 (hg19) VCF-style: chr15-90319763-T-TGCAGCTCCCGAGCC.
Other names: short protein forms E65fs.
Identifiers: ClinVar variation 1070004 (VCV001070004.7), dbSNP rs2141774101, ClinGen allele CA2499223145.

ClinVar aggregate classification (germline): Pathogenic (1 of 4 stars; one submission).

Submission:

Labcorp Genetics (formerly Invitae), Labcorp
Classification: Pathogenic. Last evaluated: 2020-10-19. Review status: criteria provided, single submitter. Criteria: Invitae Variant Classification Sherloc (09022015). Collection method: clinical testing. Allele origin: germline.
Comment: This sequence change creates a premature translational stop signal (p.Glu65Alafs*60) in the MESP2 gene. It is expected to result in an absent or disrupted protein product. Loss-of-function variants in MESP2 are known to be pathogenic (PMID: 9242490, 18485326). The frequency data for this variant in the population databases is considered unreliable, as metrics indicate insufficient coverage at this position in the ExAC database. For these reasons, this variant has been classified as Pathogenic. This variant has not been reported in the literature in individuals with MESP2-related conditions.

Literature cited by the submitters: PubMed 9242490; PubMed 18485326.